The following is an entry in ClinVar:

ClinVar aggregate classification (germline): Uncertain significance. Review status: criteria provided, multiple submitters, no conflicts (2 of 4 stars). 2 submissions from 2 submitters: Uncertain significance (2). Last evaluated 2024-12-26.

Submissions (2):

Labcorp Genetics (formerly Invitae), Labcorp
Classification: Uncertain significance. Last evaluated: 2024-12-26. Review status: criteria provided, single submitter. Criteria: Invitae Variant Classification Sherloc (09022015). Collection method: clinical testing. Allele origin: germline.
Comment: This sequence change falls in intron 1 of the HOXB13 gene. It does not directly change the encoded amino acid sequence of the HOXB13 protein. This variant is not present in population databases (gnomAD no frequency). This variant has not been reported in the literature in individuals affected with HOXB13-related conditions. ClinVar contains an entry for this variant (Variation ID: 1196696). Algorithms developed to predict the effect of sequence changes on RNA splicing suggest that this variant may disrupt the consensus splice site. In summary, the available evidence is currently insufficient to determine the role of this variant in disease. Therefore, it has been classified as a Variant of Uncertain Significance.

GeneDx
Classification: Uncertain significance. Last evaluated: 2022-01-04. Review status: criteria provided, single submitter. Criteria: GeneDx Variant Classification Process June 2021. Collection method: clinical testing. Allele origin: germline. Affected: yes.
Comment: Not observed at significant frequency in large population cohorts (gnomAD); In silico analysis supports a deleterious effect on splicing; Located in a region that tolerates variation and lacks pathogenic variants; Has not been previously published as pathogenic or benign to our knowledge

NM_006361.6(HOXB13):c.602-10C>G

Gene: HOXB13 (homeobox B13; minus strand). Cytogenetic location: 17q21.32.
Variant type: single nucleotide variant.
Coding change: c.602-10C>G on transcript NM_006361.6 (MANE Select); 10 bases into the intron before coding-DNA position 602, C replaced by G.
Molecular consequence: intron variant.
Genome position (GRCh38, 1-based): chr17:48,727,053, G>C on the plus strand (C>G on the coding strand, the complement: HOXB13 is on the minus strand). VCF-style: chr17-48727053-G-C. GRCh37 (hg19) VCF-style: chr17-46804415-G-C.
Identifiers: ClinVar variation 1196696 (VCV001196696.12), dbSNP rs780449618, ClinGen allele CA984334919.
Genomic context (GRCh38, chr17:48,727,053, plus strand): 5'-TGCGGCCGCGACGAAAGGCGCAGGCGTCAGGAGGGTGCTGCCCGCTGGAGTCTGCGCGGC[G>C]TGAAAGGGAGGGAGGAAAAGGCATGGTCAGATACCCACCCATGCAGACCCAGGCCTTGCA-3'